The following is an entry in ClinVar:

NM_001271938.2(MEGF8):c.7401C>T (p.Arg2467=)

Gene: MEGF8 (multiple EGF like domains 8; plus strand). Cytogenetic location: 19q13.2.
Variant type: single nucleotide variant.
Coding change: c.7401C>T on transcript NM_001271938.2 (MANE Select); coding-DNA position 7401, C replaced by T.
Protein change: p.Arg2467=; no amino-acid change (arginine 2467 retained).
Molecular consequence: synonymous variant.
Genome position (GRCh38, 1-based): chr19:42,375,638, C>T. VCF-style: chr19-42375638-C-T. GRCh37 (hg19) VCF-style: chr19-42879790-C-T.
Other names: c.7200C>T (NM_001410.2); c.7200C>T, p.Arg2400= (NM_001410.3).
Identifiers: ClinVar variation 2650036 (VCV002650036.26), dbSNP rs781629694, ClinGen allele CA9476163.

ClinVar aggregate classification (germline): Likely benign. Review status: criteria provided, multiple submitters, no conflicts (2 of 4 stars). 3 submissions from 3 submitters: Likely benign (2). 1 of the submissions does not count toward it. Last evaluated 2025-12-17.

Conditions:
MEGF8-related disorder. Also called: MEGF8-related condition.
MEGF8-related Carpenter syndrome. Also called: Carpenter syndrome 2. Identifiers: Orphanet 65759, MedGen C3554247, MONDO:0013998, OMIM 614976.

gnomAD v4.1: 119 of 1,609,196 alleles (0.0074%); highest among the groups gnomAD compares: Admixed American, 0.03%; no homozygotes.

Submissions (3):

Labcorp Genetics (formerly Invitae), Labcorp
Classification: Likely benign for MEGF8-related Carpenter syndrome. Last evaluated: 2025-12-17. Review status: criteria provided, single submitter. Criteria: Invitae Variant Classification Sherloc (09022015). Collection method: clinical testing. Allele origin: germline.

CeGaT Center for Human Genetics Tuebingen
Classification: Likely benign. Last evaluated: 2023-08-01. Review status: criteria provided, single submitter. Criteria: CeGaT Center For Human Genetics Tuebingen Variant Classification Criteria Version 2. Collection method: clinical testing. Allele origin: germline. Affected: yes. Observed: 1 variant allele.
Comment: MEGF8: BP4, BP7

PreventionGenetics, part of Exact Sciences
Classification: Likely benign for MEGF8-related condition. Last evaluated: 2019-04-25. Review status: no assertion criteria provided. Collection method: clinical testing. Allele origin: germline. Not counted in ClinVar's aggregate classification.
Comment: This variant is classified as likely benign based on ACMG/AMP sequence variant interpretation guidelines (Richards et al. 2015 PMID: 25741868, with internal and published modifications).